The following is an entry in ClinVar:

ClinVar aggregate classification (germline): Benign/Likely benign. Review status: criteria provided, multiple submitters, no conflicts (2 of 4 stars). 12 submissions from 12 submitters: Benign (1); Likely benign (8). 3 of the submissions do not count toward it. Last evaluated 2026-01-19.

Conditions:
FBN2-related disorder. Also called: FBN2-related condition.
Ehlers-Danlos syndrome (EDS). Identifiers: Orphanet 98249, MedGen C0013720, MONDO:0020066.
Familial thoracic aortic aneurysm and aortic dissection (TAAD). Also called: Thoracic aortic aneurysms and dissections. Identifiers: Orphanet 91387, MedGen C4707243, MONDO:0019625.
Congenital contractural arachnodactyly (CCA). Also called: BEALS SYNDROME; Beals-Hecht syndrome; Arthrogryposis, distal, type 9. Identifiers: Orphanet 115, MedGen C0220668, MONDO:0007363, OMIM 121050.

Allele frequency attached by ClinVar (database versions not stated): gnomAD exomes 0.00017 and 0.00029; ExAC 0.00031; ESP Exome Variant Server 0.00069; TOPMed 0.00095; gnomAD 0.00102; 1000 Genomes Project 30x 0.00109; 1000 Genomes Project 0.00120.
gnomAD v4.1: 425 of 1,613,904 alleles (0.026%); highest among the groups gnomAD compares: African/African-American, 0.33%; no homozygotes.

Submissions (12):

Labcorp Genetics (formerly Invitae), Labcorp
Classification: Likely benign for Congenital contractural arachnodactyly. Last evaluated: 2026-01-19. Review status: criteria provided, single submitter. Criteria: Invitae Variant Classification Sherloc (09022015). Collection method: clinical testing. Allele origin: germline.

Blueprint Genetics
Classification: Likely benign. Last evaluated: 2024-08-27. Review status: criteria provided, single submitter. Criteria: ACMG Guidelines, 2015. Collection method: clinical testing. Allele origin: germline.

Women's Health and Genetics/Laboratory Corporation of America, LabCorp
Classification: Likely benign. Last evaluated: 2024-06-04. Review status: criteria provided, single submitter. Criteria: LabCorp Variant Classification Summary - May 2015. Collection method: clinical testing. Allele origin: germline.

GeneDx
Classification: Likely benign. Last evaluated: 2020-12-03. Review status: criteria provided, single submitter. Criteria: GeneDx Variant Classification Process June 2021. Collection method: clinical testing. Allele origin: germline. Affected: yes.

ARUP Laboratories, Molecular Genetics and Genomics, ARUP Laboratories
Classification: Likely benign. Last evaluated: 2019-10-29. Review status: criteria provided, single submitter. Criteria: ARUP Molecular Germline Variant Investigation Process. Collection method: clinical testing. Allele origin: germline.

Genome Diagnostics Laboratory, The Hospital for Sick Children
Classification: Likely benign for Ehlers-Danlos syndrome. Last evaluated: 2019-06-01. Review status: criteria provided, single submitter. Criteria: ACMG Guidelines, 2015. Collection method: clinical testing. Allele origin: germline.

Ambry Genetics
Classification: Likely benign for Familial thoracic aortic aneurysm and aortic dissection. Last evaluated: 2018-11-17. Review status: criteria provided, single submitter. Criteria: Ambry Variant Classification Scheme 2023. Collection method: clinical testing. Allele origin: germline.

Illumina Laboratory Services, Illumina
Classification: Benign for Congenital contractural arachnodactyly. Last evaluated: 2018-01-12. Review status: criteria provided, single submitter. Criteria: ICSL Variant Classification Criteria 13 December 2019. Collection method: clinical testing. Allele origin: germline.
Comment: This variant was observed in the ICSL laboratory as part of a predisposition screen in an ostensibly healthy population. It had not been previously curated by ICSL or reported in the Human Gene Mutation Database (HGMD: prior to June 1st, 2018), and was therefore a candidate for classification through an automated scoring system. Utilizing variant allele frequency, disease prevalence and penetrance estimates, and inheritance mode, an automated score was calculated to assess if this variant is too frequent to cause the disease. Based on the score and internal cut-off values, a variant classified as benign is not then subjected to further curation. The score for this variant resulted in a classification of benign for this disease.

Breakthrough Genomics
Classification: Likely benign. Review status: criteria provided, single submitter. Criteria: ACMG Guidelines, 2015. Collection method: not provided. Allele origin: germline. Inheritance: Autosomal dominant inheritance. Affected: yes.

PreventionGenetics, part of Exact Sciences
Classification: Likely benign for FBN2-related condition. Last evaluated: 2020-01-20. Review status: no assertion criteria provided. Collection method: clinical testing. Allele origin: germline. Not counted in ClinVar's aggregate classification.
Comment: This variant is classified as likely benign based on ACMG/AMP sequence variant interpretation guidelines (Richards et al. 2015 PMID: 25741868, with internal and published modifications).

Clinical Genetics DNA and cytogenetics Diagnostics Lab, Erasmus MC, Erasmus Medical Center
Classification: Likely benign. Review status: no assertion criteria provided. Collection method: clinical testing. Allele origin: germline. Affected: yes. Study: VKGL Data-share Consensus. Not counted in ClinVar's aggregate classification.

Laboratory of Diagnostic Genome Analysis, Leiden University Medical Center (LUMC)
Classification: Likely benign. Review status: no assertion criteria provided. Collection method: clinical testing. Allele origin: germline. Affected: yes. Study: VKGL Data-share Consensus. Not counted in ClinVar's aggregate classification.

NM_001999.4(FBN2):c.6655A>G (p.Ile2219Val)

Gene: FBN2 (fibrillin 2; minus strand). Cytogenetic location: 5q23.3.
Variant type: single nucleotide variant.
Coding change: c.6655A>G on transcript NM_001999.4 (MANE Select); coding-DNA position 6655, A replaced by G.
Protein change: p.Ile2219Val; replaces isoleucine 2219 with valine.
Molecular consequence: missense variant.
Genome position (GRCh38, 1-based): chr5:128,288,540, T>C on the plus strand (A>G on the coding strand, the complement: FBN2 is on the minus strand). VCF-style: chr5-128288540-T-C. GRCh37 (hg19) VCF-style: chr5-127624232-T-C.
Other names: short protein forms I2219V.
Identifiers: ClinVar variation 213246 (VCV000213246.37), dbSNP rs140821039, ClinGen allele CA323347.
Genomic context (GRCh38, chr5:128,288,540, plus strand): 5'-AATTGCATTCAAAACTCCCAATAACATTGGTGCATGTACCATTTCCACACGGATTGCCGA[T>C]TGAACACTCATCAGTATCTGAAAAAGAAGAATAAGAAACTGCCACAAAGATGTTTTAGTT-3'
Protein context (NP_001990.2, residues 2209-2229): VRCVDTDECS[Ile2219Val]GNPCGNGTCT